The following is an entry in ClinVar:

NM_004958.4(MTOR):c.19_20delinsCT (p.Ala7Leu)

Gene: MTOR (mechanistic target of rapamycin kinase; minus strand). Cytogenetic location: 1p36.22.
Variant type: Indel.
Coding change: c.19_20delinsCT on transcript NM_004958.4 (MANE Select); coding-DNA positions 19 to 20, GC replaced by CT.
Protein change: p.Ala7Leu; replaces alanine 7 with leucine.
Molecular consequence: missense variant. On other transcripts: 5 prime UTR variant (1).
Genome position (GRCh38, 1-based): chr1:11,259,390-11,259,391, GC replaced by AG on the plus strand (GC replaced by CT on the coding strand, the reverse complement: MTOR is on the minus strand). VCF-style: chr1-11259390-GC-AG. GRCh37 (hg19) VCF-style: chr1-11319447-GC-AG.
Other names: c.19_20delinsCT, p.Ala7Leu (NM_001386500.1); c.-1121_-1120delinsCT (NM_001386501.1); short protein forms A7L.
Identifiers: ClinVar variation 2768206 (VCV002768206.3), dbSNP rs2523476122, ClinGen allele CA2697552197.
Genomic context (GRCh38, chr1:11,259,390, plus strand): 5'-CTGGCAAACTGCTGCAGGACGCTCACATTGCTAGATGTGGTGGCAGCGGTGGTGGCGGCG[GC>AG]AGGTCCGGTTCCAAGCATCTTGCCCTGAGGTTCTTTAGAGAGAAGTTTCCTTTAATATTC-3'
Protein context (NP_004949.1, residues 1-17): MLGTGP[Ala7Leu]AATTAATTSS

ClinVar aggregate classification (germline): Uncertain significance (1 of 4 stars; one submission).

Submission:

Labcorp Genetics (formerly Invitae), Labcorp
Classification: Uncertain significance. Last evaluated: 2023-10-26. Review status: criteria provided, single submitter. Criteria: Invitae Variant Classification Sherloc (09022015). Collection method: clinical testing. Allele origin: germline.
Comment: This sequence change replaces alanine, which is neutral and non-polar, with leucine, which is neutral and non-polar, at codon 7 of the MTOR protein (p.Ala7Leu). Information on the frequency of this variant in the gnomAD database is not available, as this variant may be reported differently in the database. This variant has not been reported in the literature in individuals affected with MTOR-related conditions. An algorithm developed to predict the effect of missense changes on protein structure and function (PolyPhen-2) suggests that this variant is likely to be tolerated. In summary, the available evidence is currently insufficient to determine the role of this variant in disease. Therefore, it has been classified as a Variant of Uncertain Significance.